The following is an entry in ClinVar:

ClinVar aggregate classification (germline): Likely benign. Review status: criteria provided, multiple submitters, no conflicts (2 of 4 stars). 3 submissions from 3 submitters: Likely benign (3). Last evaluated 2025-06-16.

Conditions:
Hereditary cancer-predisposing syndrome. Also called: Neoplastic Syndromes, Hereditary; Hereditary Cancer Syndrome; Hereditary neoplastic syndrome; Tumor predisposition. Identifiers: Orphanet 140162, MedGen C0027672, MeSH D009386, MONDO:0015356.
DICER1-related tumor predisposition. Also called: DICER1 syndrome; DICER1-related pleuropulmonary blastoma cancer predisposition syndrome. Identifiers: Orphanet 284343, MedGen C3839822, MONDO:0100216.

Allele frequency attached by ClinVar (database versions not stated): gnomAD exomes below 0.00001; ExAC 0.00001.

Submissions (3):

Labcorp Genetics (formerly Invitae), Labcorp
Classification: Likely benign for DICER1-related tumor predisposition. Last evaluated: 2025-06-16. Review status: criteria provided, single submitter. Criteria: Invitae Variant Classification Sherloc (09022015). Collection method: clinical testing. Allele origin: germline.

Hereditary Cancer Group, L’Institut d'Investigació Biomèdica de Bellvitge
Classification: Likely benign for Hereditary cancer-predisposing syndrome. Last evaluated: 2024-12-19. Review status: criteria provided, single submitter. Criteria: Hatton et al. (Hum Mutat. 2023). Collection method: clinical testing. Allele origin: germline. Inheritance: Autosomal dominant inheritance. Affected: yes.
Comment: PM2_supporting, BP4, BP7

Ambry Genetics
Classification: Likely benign for Hereditary cancer-predisposing syndrome. Last evaluated: 2020-03-24. Review status: criteria provided, single submitter. Criteria: Ambry Variant Classification Scheme 2023. Collection method: clinical testing. Allele origin: germline.

NM_177438.3(DICER1):c.4938A>G (p.Pro1646=)

Gene: DICER1 (dicer 1, ribonuclease III; minus strand). Cytogenetic location: 14q32.13.
Variant type: single nucleotide variant.
Coding change: c.4938A>G on transcript NM_177438.3 (MANE Select); coding-DNA position 4938, A replaced by G.
Protein change: p.Pro1646=; no amino-acid change (proline 1646 retained).
Molecular consequence: synonymous variant.
Genome position (GRCh38, 1-based): chr14:95,095,982, T>C on the plus strand (A>G on the coding strand, the complement: DICER1 is on the minus strand). VCF-style: chr14-95095982-T-C. GRCh37 (hg19) VCF-style: chr14-95562319-T-C.
Other names: c.4938A>G, p.Pro1646= (NM_001271282.3, NM_001291628.2, NM_030621.4 and 1 more transcripts).
Identifiers: ClinVar variation 1120450 (VCV001120450.13), dbSNP rs776218477, ClinGen allele CA7330769.